The following is an entry in ClinVar:

ClinVar aggregate classification (germline): Uncertain significance (1 of 4 stars; one submission).

Submission:

Labcorp Genetics (formerly Invitae), Labcorp
Classification: Uncertain significance. Last evaluated: 2022-05-20. Review status: criteria provided, single submitter. Criteria: Invitae Variant Classification Sherloc (09022015). Collection method: clinical testing. Allele origin: germline.
Comment: This sequence change falls in intron 1 of the DGAT1 gene. It does not directly change the encoded amino acid sequence of the DGAT1 protein. This variant is present in population databases (rs781864592, gnomAD 0.003%). This variant has not been reported in the literature in individuals affected with DGAT1-related conditions. Algorithms developed to predict the effect of sequence changes on RNA splicing suggest that this variant may disrupt the consensus splice site. In summary, the available evidence is currently insufficient to determine the role of this variant in disease. Therefore, it has been classified as a Variant of Uncertain Significance.

NM_012079.6(DGAT1):c.201-35_201-15del

Gene: DGAT1 (diacylglycerol O-acyltransferase 1; minus strand). Cytogenetic location: 8q24.3.
Variant type: Deletion.
Coding change: c.201-35_201-15del on transcript NM_012079.6 (MANE Select); 35 bases into the intron before coding-DNA position 201 through 15 bases into the intron before coding-DNA position 201, 21 bases deleted (CCCACTCAGGGGGTGCTTGTG).
Molecular consequence: intron variant.
Genome position (GRCh38, 1-based): chr8:144,321,423-144,321,443, CACAAGCACCCCCTGAGTGGG deleted on the plus strand (CCCACTCAGGGGGTGCTTGTG on the coding strand, the reverse complement: DGAT1 is on the minus strand); deleting any 21 consecutive bases within chr8:144,321,423-144,321,446 gives the same sequence; the c. name uses the placement nearest the transcript's 3' end. VCF-style (leftmost placement, unchanged base first): chr8-144321422-ACACAAGCACCCCCTGAGTGGG-A. GRCh37 (hg19) VCF-style: chr8-145545085-ACACAAGCACCCCCTGAGTGGG-A.
Identifiers: ClinVar variation 2102096 (VCV002102096.1), dbSNP rs781864592, ClinGen allele CA4937133.
Genomic context (GRCh38, chr8:144,321,422, plus strand): 5'-TGAAGCCACTGTCAGAGCTGAATAAAGAATCCTGCAGGCGATGGCACCTGACAGAGCACA[ACACAAGCACCCCCTGAGTGGG>A]CACCAGCAGGGCAGCGCCACCCCCGCAGGATCCAGGCCCCCACCCCAGTGTCCTCGTCTG-3'